The following is an entry in ClinVar:

ClinVar aggregate classification (germline): Pathogenic (1 of 4 stars; one submission).

Conditions:
Fanconi anemia complementation group J. Also called: BRIP1-Related Fanconi Anemia. Identifiers: Orphanet 84, MedGen C1836860, MONDO:0012187, OMIM 609054.
Familial cancer of breast. Also called: hereditary breast carcinoma; Hereditary breast cancer; BREAST CANCER, FAMILIAL. Identifiers: Orphanet 227535, MedGen C0346153, MONDO:0016419, OMIM 114480. Disease mechanism: loss of function.

Allele frequency attached by ClinVar (database versions not stated): gnomAD exomes below 0.00001.

Submission:

Labcorp Genetics (formerly Invitae), Labcorp
Classification: Pathogenic for Familial cancer of breast; Fanconi anemia complementation group J. Last evaluated: 2023-08-16. Review status: criteria provided, single submitter. Criteria: Invitae Variant Classification Sherloc (09022015). Collection method: clinical testing. Allele origin: germline.
Comment: This variant is not present in population databases (gnomAD no frequency). This sequence change creates a premature translational stop signal (p.Pro920Thrfs*19) in the BRIP1 gene. It is expected to result in an absent or disrupted protein product. Loss-of-function variants in BRIP1 are known to be pathogenic (PMID: 16116423, 17033622, 21964575). This variant has not been reported in the literature in individuals affected with BRIP1-related conditions. ClinVar contains an entry for this variant (Variation ID: 657177). For these reasons, this variant has been classified as Pathogenic.

Literature cited by the submitters: PubMed 16116423; PubMed 17033622; PubMed 21964575.

NM_032043.3(BRIP1):c.2756dup (p.Pro920fs)

Gene: BRIP1 (BRCA1 interacting DNA helicase 1; minus strand). Cytogenetic location: 17q23.2.
Variant type: Duplication.
Coding change: c.2756dup on transcript NM_032043.3 (MANE Select); coding-DNA position 2756, one base duplicated (C; older notation c.2756dupC).
Protein change: p.Pro920fs; shifts the reading frame from proline 920.
Molecular consequence: frameshift variant.
Genome position (GRCh38, 1-based): chr17:61,685,985, G duplicated on the plus strand (C on the coding strand, the reverse complement: BRIP1 is on the minus strand). VCF-style (leftmost placement, unchanged base first): chr17-61685984-T-TG. GRCh37 (hg19) VCF-style: chr17-59763345-T-TG.
Other names: c.2756dupC (NM_032043.2); short protein forms P920fs.
Identifiers: ClinVar variation 657177 (VCV000657177.7), dbSNP rs1603276728, ClinGen allele CA915950691.